The following is an entry in ClinVar:

NM_006031.6(PCNT):c.7640C>G (p.Thr2547Arg)

Gene: PCNT (pericentrin; plus strand). Cytogenetic location: 21q22.3.
Variant type: single nucleotide variant.
Coding change: c.7640C>G on transcript NM_006031.6 (MANE Select); coding-DNA position 7640, C replaced by G.
Protein change: p.Thr2547Arg; replaces threonine 2547 with arginine.
Molecular consequence: missense variant.
Genome position (GRCh38, 1-based): chr21:46,428,540, C>G. VCF-style: chr21-46428540-C-G. GRCh37 (hg19) VCF-style: chr21-47848454-C-G.
Other names: c.7286C>G, p.Thr2429Arg (NM_001315529.2); short protein forms T2547R, T2429R.
Identifiers: ClinVar variation 4989533 (VCV004989533.1).

ClinVar aggregate classification (germline): Uncertain significance (1 of 4 stars; one submission).

Conditions:
PCNT-related disorder. Also called: PCNT-related condition.

gnomAD v4.1: 55 of 1,609,952 alleles (0.0034%); highest among the groups gnomAD compares: Middle Eastern, 0.035%; no homozygotes.

Submission:

PreventionGenetics, part of Exact Sciences
Classification: Uncertain significance for PCNT-related condition. Last evaluated: 2026-09-17. Review status: criteria provided, single submitter. Criteria: ACMG Guidelines, 2015. Collection method: clinical testing. Allele origin: germline.
Comment: The PCNT c.7640C>G variant is predicted to result in the amino acid substitution p.Thr2547Arg. To our knowledge, this variant has not been reported in the literature. This variant is reported in 0.0057% of alleles in individuals of European (Non-Finnish) descent in gnomAD. At this time, the clinical significance of this variant is uncertain due to the absence of conclusive functional and genetic evidence.